The following is an entry in ClinVar:

ClinVar aggregate classification (germline): Uncertain significance (1 of 4 stars; one submission).

Conditions:
Adenylosuccinate lyase deficiency (ADSLD). Also called: ADSL DEFICIENCY. Identifiers: Orphanet 46, MedGen C0268126, MONDO:0007068, OMIM 103050.

Allele frequency attached by ClinVar (database versions not stated): TOPMed below 0.00001; gnomAD 0.00001.
gnomAD v4.1: 1 of 1,614,008 alleles (0.000062%); highest among the groups gnomAD compares: African/African-American, 0.0013%; no homozygotes.

Submission:

Labcorp Genetics (formerly Invitae), Labcorp
Classification: Uncertain significance for Adenylosuccinate lyase deficiency. Last evaluated: 2022-06-20. Review status: criteria provided, single submitter. Criteria: Invitae Variant Classification Sherloc (09022015). Collection method: clinical testing. Allele origin: germline.
Comment: This sequence change replaces threonine, which is neutral and polar, with isoleucine, which is neutral and non-polar, at codon 382 of the ADSL protein (p.Thr382Ile). This variant is not present in population databases (gnomAD no frequency). This variant has not been reported in the literature in individuals affected with ADSL-related conditions. Advanced modeling of protein sequence and biophysical properties (such as structural, functional, and spatial information, amino acid conservation, physicochemical variation, residue mobility, and thermodynamic stability) performed at Invitae indicates that this missense variant is expected to disrupt ADSL protein function. In summary, the available evidence is currently insufficient to determine the role of this variant in disease. Therefore, it has been classified as a Variant of Uncertain Significance.

NM_000026.4(ADSL):c.1145C>T (p.Thr382Ile)

Gene: ADSL (adenylosuccinate lyase; plus strand). Cytogenetic location: 22q13.1.
Variant type: single nucleotide variant.
Coding change: c.1145C>T on transcript NM_000026.4 (MANE Select); coding-DNA position 1145, C replaced by T.
Protein change: p.Thr382Ile; replaces threonine 382 with isoleucine.
Molecular consequence: missense variant. On other transcripts: non-coding transcript variant (1).
Genome position (GRCh38, 1-based): chr22:40,364,319, C>T. VCF-style: chr22-40364319-C-T. GRCh37 (hg19) VCF-style: chr22-40760323-C-T.
Other names: c.1145C>T, p.Thr382Ile (NM_001123378.3, NM_001363840.3); c.953C>T, p.Thr318Ile (NM_001317923.2); short protein forms T382I, T318I.
Identifiers: ClinVar variation 1450473 (VCV001450473.5), dbSNP rs2044914041, ClinGen allele CA411646557.